The following is an entry in ClinVar:

NM_032620.4(GTPBP3):c.554G>T (p.Gly185Val)

Gene: GTPBP3 (GTP binding protein 3, mitochondrial; plus strand). Cytogenetic location: 19p13.11.
Variant type: single nucleotide variant.
Coding change: c.554G>T on transcript NM_032620.4 (MANE Select); coding-DNA position 554, G replaced by T.
Protein change: p.Gly185Val; replaces glycine 185 with valine.
Molecular consequence: missense variant.
Genome position (GRCh38, 1-based): chr19:17,338,704, G>T. VCF-style: chr19-17338704-G-T. GRCh37 (hg19) VCF-style: chr19-17449513-G-T.
Other names: c.554G>T, p.Gly185Val (NM_001128855.3, NM_133644.4); c.620G>T, p.Gly207Val (NM_001195422.1); short protein forms G207V, G185V.
Identifiers: ClinVar variation 1521928 (VCV001521928.6), dbSNP rs199876072, ClinGen allele CA404734454.
Genomic context (GRCh38, chr19:17,338,704, plus strand): 5'-TCCACGCGGAAACAGAGGCGCAGCGGCGGCAGGCCCTCAGGCAGCTGGACGGAGAGCTGG[G>T]CCACCTCTGCCGTGGCTGGGCCGAGACCCTCACCAAAGCAAGTCCCCCATTTGTCCATTC-3'
Protein context (NP_116009.2, residues 175-195): QALRQLDGEL[Gly185Val]HLCRGWAETL

ClinVar aggregate classification (germline): Uncertain significance (1 of 4 stars; one submission).

Submission:

Labcorp Genetics (formerly Invitae), Labcorp
Classification: Uncertain significance. Last evaluated: 2020-12-03. Review status: criteria provided, single submitter. Criteria: Invitae Variant Classification Sherloc (09022015). Collection method: clinical testing. Allele origin: germline.
Comment: In summary, the available evidence is currently insufficient to determine the role of this variant in disease. Therefore, it has been classified as a Variant of Uncertain Significance. Algorithms developed to predict the effect of missense changes on protein structure and function are either unavailable or do not agree on the potential impact of this missense change (SIFT: "Tolerated"; PolyPhen-2: "Probably Damaging"; Align-GVGD: "Class C0"). This variant has not been reported in the literature in individuals with GTPBP3-related conditions. This variant is not present in population databases (ExAC no frequency). This sequence change replaces glycine with valine at codon 185 of the GTPBP3 protein (p.Gly185Val). The glycine residue is weakly conserved and there is a moderate physicochemical difference between glycine and valine.